The following is an entry in ClinVar:

ClinVar aggregate classification (germline): Uncertain significance (1 of 4 stars; one submission).

Conditions:
Oligodontia-cancer predisposition syndrome. Also called: TOOTH AGENESIS-COLORECTAL CANCER SYNDROME. Identifiers: Orphanet 300576, MedGen C1837750, MONDO:0012075, OMIM 608615. Disease mechanism: loss of function.

Submission:

Labcorp Genetics (formerly Invitae), Labcorp
Classification: Uncertain significance for Oligodontia-cancer predisposition syndrome. Last evaluated: 2022-11-07. Review status: criteria provided, single submitter. Criteria: Invitae Variant Classification Sherloc (09022015). Collection method: clinical testing. Allele origin: germline.
Comment: In summary, the available evidence is currently insufficient to determine the role of this variant in disease. Therefore, it has been classified as a Variant of Uncertain Significance. Advanced modeling of protein sequence and biophysical properties (such as structural, functional, and spatial information, amino acid conservation, physicochemical variation, residue mobility, and thermodynamic stability) performed at Invitae indicates that this missense variant is expected to disrupt AXIN2 protein function. This variant has not been reported in the literature in individuals affected with AXIN2-related conditions. This variant is not present in population databases (gnomAD no frequency). This sequence change replaces cysteine, which is neutral and slightly polar, with tryptophan, which is neutral and slightly polar, at codon 814 of the AXIN2 protein (p.Cys814Trp).

NM_004655.4(AXIN2):c.2442T>G (p.Cys814Trp)

Gene: AXIN2 (axin 2; minus strand). Cytogenetic location: 17q24.1.
Variant type: single nucleotide variant.
Coding change: c.2442T>G on transcript NM_004655.4 (MANE Select); coding-DNA position 2442, T replaced by G.
Protein change: p.Cys814Trp; replaces cysteine 814 with tryptophan.
Molecular consequence: missense variant.
Genome position (GRCh38, 1-based): chr17:65,530,066, A>C on the plus strand (T>G on the coding strand, the complement: AXIN2 is on the minus strand). VCF-style: chr17-65530066-A-C. GRCh37 (hg19) VCF-style: chr17-63526184-A-C.
Other names: c.2247T>G, p.Cys749Trp (NM_001363813.1); short protein forms C749W, C814W.
Identifiers: ClinVar variation 2800486 (VCV002800486.3), dbSNP rs2509368828, ClinGen allele CA400674904.